The following is an entry in ClinVar:

ClinVar aggregate classification (germline): Conflicting classifications of pathogenicity. Review status: criteria provided, conflicting classifications (1 of 4 stars). 4 submissions from 4 submitters: Uncertain significance (3); Likely benign (1). Last evaluated 2026-01-28.

Conditions:
Cardiovascular phenotype. Identifiers: MedGen CN230736.
Long QT syndrome (LQTS). Identifiers: MedGen C0023976, MeSH D008133, MONDO:0002442. Disease mechanism: loss of function. Inheritance: Various modes of inheritance.
Cardiac arrhythmia. Also called: Arrhythmia; Cardiac rhythm disease. Identifiers: MedGen C0003811, MONDO:0007263, HP:0011675.

Allele frequency attached by ClinVar (database versions not stated): gnomAD exomes 0.00002 and 0.00004; ExAC 0.00003; gnomAD 0.00003; TOPMed 0.00003.
gnomAD v4.1: 34 of 1,613,506 alleles (0.0021%); highest among the groups gnomAD compares: Admixed American, 0.012%; 1 homozygote.

Submissions (4):

Labcorp Genetics (formerly Invitae), Labcorp
Classification: Uncertain significance for Long QT syndrome. Last evaluated: 2026-01-28. Review status: criteria provided, single submitter. Criteria: Invitae Variant Classification Sherloc (09022015). Collection method: clinical testing. Allele origin: germline.
Comment: This sequence change replaces methionine, which is neutral and non-polar, with threonine, which is neutral and polar, at codon 867 of the KCNH2 protein (p.Met867Thr). This variant is present in population databases (rs752020408, gnomAD 0.01%). This variant has not been reported in the literature in individuals affected with KCNH2-related conditions. ClinVar contains an entry for this variant (Variation ID: 641744). An algorithm developed to predict the effect of missense changes on protein structure and function (PolyPhen-2) suggests that this variant is likely to be tolerated. In summary, the available evidence is currently insufficient to determine the role of this variant in disease. Therefore, it has been classified as a Variant of Uncertain Significance.

Color Diagnostics, LLC DBA Color Health
Classification: Uncertain significance for Cardiac arrhythmia. Last evaluated: 2024-03-06. Review status: criteria provided, single submitter. Criteria: ACMG Guidelines, 2015. Collection method: clinical testing. Allele origin: germline.
Comment: This missense variant replaces methionine with threonine at codon 867 of the KCNH2 protein. Computational prediction is inconclusive regarding the impact of this variant on protein structure and function (internally defined REVEL score threshold 0.5 < inconclusive < 0.7, PMID: 27666373). To our knowledge, functional studies have not been reported for this variant. This variant has not been reported in individuals affected with KCNH2-related disorders in the literature. This variant has been identified in 10/250204 chromosomes in the general population by the Genome Aggregation Database (gnomAD). The available evidence is insufficient to determine the role of this variant in disease conclusively. Therefore, this variant is classified as a Variant of Uncertain Significance.

All of Us Research Program, National Institutes of Health
Classification: Uncertain significance for Long QT syndrome. Last evaluated: 2023-12-13. Review status: criteria provided, single submitter. Criteria: ACMG Guidelines, 2015. Collection method: clinical testing. Allele origin: germline. Inheritance: Autosomal dominant inheritance. Observed: 7 variant alleles, 7 heterozygotes.
Comment: This missense variant replaces methionine with threonine at codon 867 of the KCNH2 protein. Computational prediction is inconclusive regarding the impact of this variant on protein structure and function (internally defined REVEL score threshold 0.5 < inconclusive < 0.7, PMID: 27666373). Splice site prediction tools suggest that this variant may not impact RNA splicing. To our knowledge, functional studies have not been performed for this variant. This variant has not been reported in individuals affected with cardiovascular disorders in the literature. This variant has been identified in 10/250204 chromosomes in the general population by the Genome Aggregation Database (gnomAD). The available evidence is insufficient to determine the role of this variant in disease conclusively. Therefore, this variant is classified as a Variant of Uncertain Significance.

This study involves interpretation of variants in research participants for the purpose of population health screening. Participant phenotype was not available at the time of variant classification. Additional details can be found in publication PMID: 35346344, PMCID: PMC8962531

Ambry Genetics
Classification: Likely benign for Cardiovascular phenotype. Last evaluated: 2023-05-03. Review status: criteria provided, single submitter. Criteria: Ambry Variant Classification Scheme 2023. Collection method: clinical testing. Allele origin: germline.

NM_000238.4(KCNH2):c.2600T>C (p.Met867Thr)

Gene: KCNH2 (potassium voltage-gated channel subfamily H member 2; minus strand). Cytogenetic location: 7q36.1.
Variant type: single nucleotide variant.
Coding change: c.2600T>C on transcript NM_000238.4 (MANE Select); coding-DNA position 2600, T replaced by C.
Protein change: p.Met867Thr; replaces methionine 867 with threonine.
Molecular consequence: missense variant.
Genome position (GRCh38, 1-based): chr7:150,948,536, A>G on the plus strand (T>C on the coding strand, the complement: KCNH2 is on the minus strand). VCF-style: chr7-150948536-A-G. GRCh37 (hg19) VCF-style: chr7-150645624-A-G.
Other names: c.1580T>C, p.Met527Thr (NM_172057.3); short protein forms M527T, M867T.
Identifiers: ClinVar variation 641744 (VCV000641744.18), dbSNP rs752020408, ClinGen allele CA033403.